The following is an entry in ClinVar:

NM_002972.4(SBF1):c.1384C>T (p.Arg462Cys)

Gene: SBF1 (SET binding factor 1; minus strand). Cytogenetic location: 22q13.33.
Variant type: single nucleotide variant.
Coding change: c.1384C>T on transcript NM_002972.4 (MANE Select); coding-DNA position 1384, C replaced by T.
Protein change: p.Arg462Cys; replaces arginine 462 with cysteine.
Molecular consequence: missense variant.
Genome position (GRCh38, 1-based): chr22:50,464,866, G>A on the plus strand (C>T on the coding strand, the complement: SBF1 is on the minus strand). VCF-style: chr22-50464866-G-A. GRCh37 (hg19) VCF-style: chr22-50903295-G-A.
Other names: c.1387C>T, p.Arg463Cys (NM_001365819.1, NM_001410794.1); c.1384C>T, p.Arg462Cys (NM_001410795.1, NM_197971.1); short protein forms R463C, R462C.
Identifiers: ClinVar variation 2069164 (VCV002069164.26), dbSNP rs751016208, ClinGen allele CA10317696.

ClinVar aggregate classification (germline): Uncertain significance. Review status: criteria provided, multiple submitters, no conflicts (2 of 4 stars). 3 submissions from 3 submitters: Uncertain significance (3). Last evaluated 2025-02-28.

Allele frequency attached by ClinVar (database versions not stated): gnomAD 0.00003; TOPMed 0.00003; ExAC 0.00004; gnomAD exomes 0.00006.
gnomAD v4.1: 98 of 1,613,534 alleles (0.0061%); highest among the groups gnomAD compares: Non-Finnish European, 0.0077%; no homozygotes.

Submissions (3):

Labcorp Genetics (formerly Invitae), Labcorp
Classification: Uncertain significance. Last evaluated: 2025-02-28. Review status: criteria provided, single submitter. Criteria: Invitae Variant Classification Sherloc (09022015). Collection method: clinical testing. Allele origin: germline.
Comment: This sequence change replaces arginine, which is basic and polar, with cysteine, which is neutral and slightly polar, at codon 462 of the SBF1 protein (p.Arg462Cys). This variant is present in population databases (rs751016208, gnomAD 0.008%). This variant has not been reported in the literature in individuals affected with SBF1-related conditions. ClinVar contains an entry for this variant (Variation ID: 2069164). Invitae Evidence Modeling of protein sequence and biophysical properties (such as structural, functional, and spatial information, amino acid conservation, physicochemical variation, residue mobility, and thermodynamic stability) indicates that this missense variant is not expected to disrupt SBF1 protein function with a negative predictive value of 80%. In summary, the available evidence is currently insufficient to determine the role of this variant in disease. Therefore, it has been classified as a Variant of Uncertain Significance.

CeGaT Center for Human Genetics Tuebingen
Classification: Uncertain significance. Last evaluated: 2024-02-01. Review status: criteria provided, single submitter. Criteria: CeGaT Center For Human Genetics Tuebingen Variant Classification Criteria Version 2. Collection method: clinical testing. Allele origin: germline. Affected: yes. Observed: 1 variant allele.

Ambry Genetics
Classification: Uncertain significance. Last evaluated: 2021-08-13. Review status: criteria provided, single submitter. Criteria: Ambry Variant Classification Scheme 2023. Collection method: clinical testing. Allele origin: germline.